The following is an entry in ClinVar:

NM_001367873.1(SOX6):c.419A>G (p.Glu140Gly)

Gene: SOX6 (SRY-box transcription factor 6; minus strand). Cytogenetic location: 11p15.2.
Variant type: single nucleotide variant.
Coding change: c.419A>G on transcript NM_001367873.1 (MANE Select); coding-DNA position 419, A replaced by G.
Protein change: p.Glu140Gly; replaces glutamic acid 140 with glycine.
Molecular consequence: missense variant.
Genome position (GRCh38, 1-based): chr11:16,318,472, T>C on the plus strand (A>G on the coding strand, the complement: SOX6 is on the minus strand). VCF-style: chr11-16318472-T-C. GRCh37 (hg19) VCF-style: chr11-16340018-T-C.
Other names: c.419A>G, p.Glu140Gly (NM_001145811.2, NM_001145819.2, NM_001367872.1 and 2 more transcripts); short protein forms E140G.
Identifiers: ClinVar variation 2466648 (VCV002466648.4), dbSNP rs201066442, ClinGen allele CA5898455.

ClinVar aggregate classification (germline): Conflicting classifications of pathogenicity. Review status: criteria provided, conflicting classifications (1 of 4 stars). 2 submissions from 2 submitters: Uncertain significance (1); Likely benign (1). Last evaluated 2024-12-03.

Conditions:
Inborn genetic diseases. Identifiers: MedGen C0950123, MeSH D030342.

Allele frequency attached by ClinVar (database versions not stated): gnomAD exomes 0.00001; gnomAD 0.00002; ExAC 0.00005; TOPMed 0.00008; 1000 Genomes Project 0.00020; 1000 Genomes Project 30x 0.00031.
gnomAD v4.1: 17 of 1,613,340 alleles (0.0011%); highest among the groups gnomAD compares: East Asian, 0.036%; no homozygotes.

Submissions (2):

Labcorp Genetics (formerly Invitae), Labcorp
Classification: Uncertain significance. Last evaluated: 2024-12-03. Review status: criteria provided, single submitter. Criteria: Invitae Variant Classification Sherloc (09022015). Collection method: clinical testing. Allele origin: germline.
Comment: This sequence change replaces glutamic acid, which is acidic and polar, with glycine, which is neutral and non-polar, at codon 140 of the SOX6 protein (p.Glu140Gly). This variant is present in population databases (rs201066442, gnomAD 0.07%), and has an allele count higher than expected for a pathogenic variant. This variant has not been reported in the literature in individuals affected with SOX6-related conditions. ClinVar contains an entry for this variant (Variation ID: 2466648). Invitae Evidence Modeling of protein sequence and biophysical properties (such as structural, functional, and spatial information, amino acid conservation, physicochemical variation, residue mobility, and thermodynamic stability) indicates that this missense variant is not expected to disrupt SOX6 protein function with a negative predictive value of 80%. In summary, the available evidence is currently insufficient to determine the role of this variant in disease. Therefore, it has been classified as a Variant of Uncertain Significance.

Ambry Genetics
Classification: Likely benign for Inborn genetic diseases. Last evaluated: 2023-02-07. Review status: criteria provided, single submitter. Criteria: Ambry Variant Classification Scheme 2023. Collection method: clinical testing. Allele origin: germline.